The following is an entry in ClinVar:

NM_001282933.2(ZNF341):c.1877T>C (p.Val626Ala)

Genes: ZNF341 (zinc finger protein 341; plus strand), ZNF341-AS1 (ZNF341 antisense RNA 1; minus strand). Cytogenetic location: 20q11.22.
Variant type: single nucleotide variant.
Coding change: c.1877T>C on transcript NM_001282933.2 (MANE Select); coding-DNA position 1877, T replaced by C.
Protein change: p.Val626Ala; replaces valine 626 with alanine.
Molecular consequence: missense variant. On other transcripts: non-coding transcript variant (1).
Genome position (GRCh38, 1-based): chr20:33,788,887, T>C. VCF-style: chr20-33788887-T-C. GRCh37 (hg19) VCF-style: chr20-32376693-T-C.
Other names: c.1607T>C, p.Val536Ala (NM_001282935.2); c.1856T>C, p.Val619Ala (NM_032819.5); short protein forms V626A, V536A, V619A.
Identifiers: ClinVar variation 2702138 (VCV002702138.3), dbSNP rs2515509567, ClinGen allele CA408640615.

ClinVar aggregate classification (germline): Uncertain significance (1 of 4 stars; one submission).

Submission:

Labcorp Genetics (formerly Invitae), Labcorp
Classification: Uncertain significance. Last evaluated: 2023-12-12. Review status: criteria provided, single submitter. Criteria: Invitae Variant Classification Sherloc (09022015). Collection method: clinical testing. Allele origin: germline.
Comment: This sequence change replaces valine, which is neutral and non-polar, with alanine, which is neutral and non-polar, at codon 619 of the ZNF341 protein (p.Val619Ala). This variant is not present in population databases (gnomAD no frequency). This variant has not been reported in the literature in individuals affected with ZNF341-related conditions. An algorithm developed to predict the effect of missense changes on protein structure and function (PolyPhen-2) suggests that this variant is likely to be tolerated. In summary, the available evidence is currently insufficient to determine the role of this variant in disease. Therefore, it has been classified as a Variant of Uncertain Significance.